The following is an entry in ClinVar:

NM_000548.5(TSC2):c.3249G>A (p.Leu1083=)

Gene: TSC2 (TSC complex subunit 2; plus strand). Cytogenetic location: 16p13.3.
Variant type: single nucleotide variant.
Coding change: c.3249G>A on transcript NM_000548.5 (MANE Select); coding-DNA position 3249, G replaced by A.
Protein change: p.Leu1083=; no amino-acid change (leucine 1083 retained).
Molecular consequence: synonymous variant.
Genome position (GRCh38, 1-based): chr16:2,079,393, G>A. VCF-style: chr16-2079393-G-A. GRCh37 (hg19) VCF-style: chr16-2129394-G-A.
Other names: c.3117G>A, p.Leu1039= (NM_001077183.3, NM_001370404.1); c.3249G>A, p.Leu1083= (NM_001114382.3); c.3009G>A, p.Leu1003= (NM_001318827.2); c.2973G>A, p.Leu991= (NM_001318829.2); c.2517G>A, p.Leu839= (NM_001318831.2); c.3150G>A, p.Leu1050= (NM_001318832.2); c.3120G>A, p.Leu1040= (NM_001363528.2, NM_001370405.1, NM_021055.3).
Identifiers: ClinVar variation 708092 (VCV000708092.14), dbSNP rs762243606, ClinGen allele CA044964.

ClinVar aggregate classification (germline): Benign/Likely benign. Review status: criteria provided, multiple submitters, no conflicts (2 of 4 stars). 3 submissions from 3 submitters: Benign (1); Likely benign (2). Last evaluated 2026-02-03.

Conditions:
Tuberous sclerosis 2 (TSC2). Identifiers: Orphanet 805, MedGen C1860707, MONDO:0013199, OMIM 613254.
Hereditary cancer-predisposing syndrome. Also called: Tumor predisposition; Hereditary neoplastic syndrome; Neoplastic Syndromes, Hereditary; Hereditary Cancer Syndrome. Identifiers: Orphanet 140162, MedGen C0027672, MeSH D009386, MONDO:0015356.

Allele frequency attached by ClinVar (database versions not stated): gnomAD exomes below 0.00001 and 0.00001; ExAC 0.00002; gnomAD 0.00002; TOPMed 0.00002.

Submissions (3):

Labcorp Genetics (formerly Invitae), Labcorp
Classification: Likely benign for Tuberous sclerosis 2. Last evaluated: 2026-02-03. Review status: criteria provided, single submitter. Criteria: Invitae Variant Classification Sherloc (09022015). Collection method: clinical testing. Allele origin: germline.

Myriad Genetics, Inc.
Classification: Benign for Tuberous sclerosis 2. Last evaluated: 2025-05-28. Review status: criteria provided, single submitter. Criteria: Myriad Autosomal Dominant, Autosomal Recessive and X-Linked Classification Criteria (2023). Collection method: clinical testing. Allele origin: unknown.
Comment: This variant is considered benign. This variant is a silent/synonymous amino acid change and it is not expected to impact splicing.

Ambry Genetics
Classification: Likely benign for Hereditary cancer-predisposing syndrome. Last evaluated: 2020-08-05. Review status: criteria provided, single submitter. Criteria: Ambry Variant Classification Scheme 2023. Collection method: clinical testing. Allele origin: germline.